The following is an entry in ClinVar:

NM_006393.3(NEBL):c.1776G>A (p.Ala592=)

Gene: NEBL (nebulette; minus strand). Cytogenetic location: 10p12.31.
Variant type: single nucleotide variant.
Coding change: c.1776G>A on transcript NM_006393.3 (MANE Select); coding-DNA position 1776, G replaced by A.
Protein change: p.Ala592=; no amino-acid change (alanine 592 retained).
Molecular consequence: synonymous variant. On other transcripts: intron variant (9).
Genome position (GRCh38, 1-based): chr10:20,828,530, C>T on the plus strand (G>A on the coding strand, the complement: NEBL is on the minus strand). VCF-style: chr10-20828530-C-T. GRCh37 (hg19) VCF-style: chr10-21117459-C-T.
Other names: c.250-15590G>A (NM_001377326.1, NM_001377327.1, NM_001377328.1); c.358-15590G>A (NM_213569.2, NM_001173484.2, NM_001377322.1); c.301-15590G>A (NM_001377324.1); c.292-15590G>A (NM_001377325.1); c.310-15590G>A (NM_001377323.1).
Identifiers: ClinVar variation 489174 (VCV000489174.10), dbSNP rs113406843, ClinGen allele CA5432756.

ClinVar aggregate classification (germline): Uncertain significance. Review status: criteria provided, multiple submitters, no conflicts (2 of 4 stars). 3 submissions from 3 submitters: Uncertain significance (3). Last evaluated 2025-05-27.

Conditions:
Primary dilated cardiomyopathy (DCM). Also called: Dilated Cardiomyopathy. Identifiers: Orphanet 217604, MedGen C0007193, MeSH D002311, MONDO:0005021, HP:0001644. Inheritance: Various modes of inheritance.

Allele frequency attached by ClinVar (database versions not stated): ExAC 0.00001; gnomAD 0.00001 and 0.00002; gnomAD exomes 0.00001 and 0.00002; TOPMed 0.00004.
gnomAD v4.1: 25 of 1,564,008 alleles (0.0016%); highest among the groups gnomAD compares: Middle Eastern, 0.017%; no homozygotes.

Submissions (3):

Labcorp Genetics (formerly Invitae), Labcorp
Classification: Uncertain significance for Primary dilated cardiomyopathy. Last evaluated: 2025-05-27. Review status: criteria provided, single submitter. Criteria: Invitae Variant Classification Sherloc (09022015). Collection method: clinical testing. Allele origin: germline.
Comment: This sequence change affects codon 592 of the NEBL mRNA. It is a 'silent' change, meaning that it does not change the encoded amino acid sequence of the NEBL protein. This variant also falls at the last nucleotide of exon 17, which is part of the consensus splice site for this exon. The frequency data for this variant in the population databases is considered unreliable, as metrics indicate poor data quality at this position in the gnomAD database. This variant has not been reported in the literature in individuals affected with NEBL-related conditions. ClinVar contains an entry for this variant (Variation ID: 489174). Variants that disrupt the consensus splice site are a relatively common cause of aberrant splicing (PMID: 17576681, 9536098). Algorithms developed to predict the effect of sequence changes on RNA splicing suggest that this variant is not likely to affect RNA splicing. In summary, the available evidence is currently insufficient to determine the role of this variant in disease. Therefore, it has been classified as a Variant of Uncertain Significance.

GeneDx
Classification: Uncertain significance. Last evaluated: 2017-12-04. Review status: criteria provided, single submitter. Criteria: GeneDx Variant Classification (06012015). Collection method: clinical testing. Allele origin: germline. Affected: yes.
Comment: A variant of uncertain significance has been identified in the NEBL gene. The c.1776 G>A variant has not been published as pathogenic or been reported as benign to our knowledge. This variant is not observed at a significant frequency in large population cohorts (Lek et al., 2016). This nucleotide substitution does not change the encoded amino acid, which is not conserved across species. Several in silico splice algorithms do not predict that this change results in abnormal gene splicing; however, in the absence of functional mRNA studies, the physiological consequence of this variant cannot be precisely determined. Finally, no splicing variants have been reported in the Human Gene Mutation Database in association with cardiomyopathy (Stenson et al., 2014).

Breakthrough Genomics
Classification: Uncertain significance. Review status: criteria provided, single submitter. Criteria: ACMG Guidelines, 2015. Collection method: not provided. Allele origin: germline. Inheritance: Unknown mechanism. Affected: yes.

Literature cited by the submitters: PubMed 17576681 (cited by Labcorp Genetics (formerly Invitae), Labcorp); PubMed 9536098 (cited by Labcorp Genetics (formerly Invitae), Labcorp).